The following is an entry in ClinVar:

NM_017802.4(DNAAF5):c.676G>C (p.Ala226Pro)

Gene: DNAAF5 (dynein axonemal assembly factor 5; plus strand). Cytogenetic location: 7p22.3.
Variant type: single nucleotide variant.
Coding change: c.676G>C on transcript NM_017802.4 (MANE Select); coding-DNA position 676, G replaced by C.
Protein change: p.Ala226Pro; replaces alanine 226 with proline.
Molecular consequence: missense variant. On other transcripts: non-coding transcript variant (1).
Genome position (GRCh38, 1-based): chr7:729,743, G>C. VCF-style: chr7-729743-G-C. GRCh37 (hg19) VCF-style: chr7-769380-G-C.
Other names: short protein forms A226P.
Identifiers: ClinVar variation 525397 (VCV000525397.9), dbSNP rs780016631, ClinGen allele CA4110396.
Genomic context (GRCh38, chr7:729,743, plus strand): 5'-GAGTCTCTGATCGGGCCCCTGATGCAGACCATCTCCCACCAGCACTGGAAGGTCCGTGTG[G>C]CCGCCATTGAAGCCACAGGCGCAGTGATCCATTTTGGCAACGGGAAGTCCGTGGACGACG-3'
Protein context (NP_060272.3, residues 216-236): ISHQHWKVRV[Ala226Pro]AIEATGAVIH

ClinVar aggregate classification (germline): Uncertain significance (1 of 4 stars; one submission).

Conditions:
Primary ciliary dyskinesia. Also called: Ciliary dyskinesia. Identifiers: Orphanet 244, MedGen C0008780, MONDO:0016575, HP:0012265.

Allele frequency attached by ClinVar (database versions not stated): gnomAD exomes below 0.00001; ExAC 0.00001; gnomAD 0.00001; TOPMed 0.00002.
gnomAD v4.1: 6 of 1,614,010 alleles (0.00037%); highest among the groups gnomAD compares: Non-Finnish European, 0.00051%; no homozygotes.

Submission:

Labcorp Genetics (formerly Invitae), Labcorp
Classification: Uncertain significance for Primary ciliary dyskinesia. Last evaluated: 2017-08-03. Review status: criteria provided, single submitter. Criteria: Invitae Variant Classification Sherloc (09022015). Collection method: clinical testing. Allele origin: germline.
Comment: In summary, the available evidence is currently insufficient to determine the role of this variant in disease. Therefore, it has been classified as a Variant of Uncertain Significance. Algorithms developed to predict the effect of missense changes on protein structure and function do not agree on the potential impact of this missense change (SIFT: "Tolerated"; PolyPhen-2: "Probably Damaging"; Align-GVGD: "Class C0"). This sequence change replaces alanine with proline at codon 226 of the DNAAF5 protein (p.Ala226Pro). The alanine residue is moderately conserved and there is a small physicochemical difference between alanine and proline. The frequency data for this variant in the population databases is considered unreliable, as metrics indicate poor data quality at this position in the ExAC database. This variant has not been reported in the literature in individuals with DNAAF5-related disease.